The following is an entry in ClinVar:

NM_006796.3(AFG3L2):c.910G>A (p.Asp304Asn)

Gene: AFG3L2 (AFG3 like matrix AAA peptidase subunit 2; minus strand). Cytogenetic location: 18p11.21.
Variant type: single nucleotide variant.
Coding change: c.910G>A on transcript NM_006796.3 (MANE Select); coding-DNA position 910, G replaced by A.
Protein change: p.Asp304Asn; replaces aspartic acid 304 with asparagine.
Molecular consequence: missense variant.
Genome position (GRCh38, 1-based): chr18:12,358,786, C>T on the plus strand (G>A on the coding strand, the complement: AFG3L2 is on the minus strand). VCF-style: chr18-12358786-C-T. GRCh37 (hg19) VCF-style: chr18-12358785-C-T.
Other names: short protein forms D304N.
Identifiers: ClinVar variation 3625080 (VCV003625080.3).

ClinVar aggregate classification (germline): Uncertain significance. Review status: criteria provided, multiple submitters, no conflicts (2 of 4 stars). 2 submissions from 2 submitters: Uncertain significance (2). Last evaluated 2025-03-10.

Conditions:
AFG3L2-related disorder. Also called: AFG3L2-related condition.

gnomAD v4.1: 5 of 1,614,164 alleles (0.00031%); highest among the groups gnomAD compares: Middle Eastern, 0.016%; no homozygotes.

Submissions (2):

PreventionGenetics, part of Exact Sciences
Classification: Uncertain significance for AFG3L2-related condition. Last evaluated: 2025-03-10. Review status: criteria provided, single submitter. Criteria: ACMG Guidelines, 2015. Collection method: clinical testing. Allele origin: germline.
Comment: The AFG3L2 c.910G>A variant is predicted to result in the amino acid substitution p.Asp304Asn. To our knowledge, this variant has not been reported in the literature or in a large population database (gnomAD), indicating this variant is rare. At this time, the clinical significance of this variant is uncertain due to the absence of conclusive functional and genetic evidence.

Labcorp Genetics (formerly Invitae), Labcorp
Classification: Uncertain significance. Last evaluated: 2024-08-24. Review status: criteria provided, single submitter. Criteria: Invitae Variant Classification Sherloc (09022015). Collection method: clinical testing. Allele origin: germline.
Comment: This sequence change replaces aspartic acid, which is acidic and polar, with asparagine, which is neutral and polar, at codon 304 of the AFG3L2 protein (p.Asp304Asn). This variant is not present in population databases (gnomAD no frequency). This variant has not been reported in the literature in individuals affected with AFG3L2-related conditions. Invitae Evidence Modeling of protein sequence and biophysical properties (such as structural, functional, and spatial information, amino acid conservation, physicochemical variation, residue mobility, and thermodynamic stability) indicates that this missense variant is not expected to disrupt AFG3L2 protein function with a negative predictive value of 95%. In summary, the available evidence is currently insufficient to determine the role of this variant in disease. Therefore, it has been classified as a Variant of Uncertain Significance.